The following is an entry in ClinVar:

ClinVar aggregate classification (germline): Uncertain significance (1 of 4 stars; one submission).

Conditions:
Hereditary cancer-predisposing syndrome. Also called: Hereditary Cancer Syndrome; Neoplastic Syndromes, Hereditary; Tumor predisposition; Hereditary neoplastic syndrome. Identifiers: Orphanet 140162, MedGen C0027672, MeSH D009386, MONDO:0015356.

Submission:

Color Diagnostics, LLC DBA Color Health
Classification: Uncertain significance for Hereditary cancer-predisposing syndrome. Last evaluated: 2023-12-04. Review status: criteria provided, single submitter. Criteria: ACMG Guidelines, 2015. Collection method: clinical testing. Allele origin: germline.
Comment: This missense variant replaces lysine with asparagine at codon 1736 of the APC protein. Computational prediction suggests that this variant may not impact protein structure and function (internally defined REVEL score threshold <= 0.5, PMID: 27666373). To our knowledge, functional studies have not been reported for this variant. This variant has not been reported in individuals affected with APC-related disorders in the literature. This variant has not been identified in the general population by the Genome Aggregation Database (gnomAD). The available evidence is insufficient to determine the role of this variant in disease conclusively. Therefore, this variant is classified as a Variant of Uncertain Significance.

NM_000038.6(APC):c.5208A>C (p.Lys1736Asn)

Gene: APC (APC regulator of Wnt signaling pathway; plus strand). Cytogenetic location: 5q22.2.
Variant type: single nucleotide variant.
Coding change: c.5208A>C on transcript NM_000038.6 (MANE Select); coding-DNA position 5208, A replaced by C.
Protein change: p.Lys1736Asn; replaces lysine 1736 with asparagine.
Molecular consequence: missense variant.
Genome position (GRCh38, 1-based): chr5:112,840,802, A>C. VCF-style: chr5-112840802-A-C. GRCh37 (hg19) VCF-style: chr5-112176499-A-C.
Other names: c.5208A>C, p.Lys1736Asn (NM_001127510.3, NM_001354895.2); c.5154A>C, p.Lys1718Asn (NM_001127511.3); c.5262A>C, p.Lys1754Asn (NM_001354896.2); c.5238A>C, p.Lys1746Asn (NM_001354897.2); c.5133A>C, p.Lys1711Asn (NM_001354898.2); c.5124A>C, p.Lys1708Asn (NM_001354899.2); c.5085A>C, p.Lys1695Asn (NM_001354900.2); c.5031A>C, p.Lys1677Asn (NM_001354901.2); and 5 more; short protein forms K1718N, K1736N, K1576N, K1610N, K1635N, K1645N, K1754N, K1453N.
Identifiers: ClinVar variation 490298 (VCV000490298.6), dbSNP rs757577924, ClinGen allele CA16032714.